The following is an entry in ClinVar:

NM_020975.6(RET):c.2393-8G>A

Gene: RET (ret proto-oncogene; plus strand). Cytogenetic location: 10q11.21.
Variant type: single nucleotide variant.
Coding change: c.2393-8G>A on transcript NM_020975.6 (MANE Select); 8 bases into the intron before coding-DNA position 2393, G replaced by A.
Molecular consequence: intron variant.
Genome position (GRCh38, 1-based): chr10:43,119,523, G>A. VCF-style: chr10-43119523-G-A. GRCh37 (hg19) VCF-style: chr10-43614971-G-A.
Other names: c.2393-8G>A (NM_020630.7, NM_001406743.1, NM_001406744.1 and 2 more transcripts); c.2258-8G>A (NM_001406765.1, NM_001406763.1); c.1997-8G>A (NM_001406772.1, NM_001406769.1); c.1955-8G>A (NM_001406773.1, NM_001406771.1); c.1496-8G>A (NM_001406782.1, NM_001406780.1, NM_001406779.1 and 1 more transcripts); c.1361-8G>A (NM_001406787.1); c.1376-8G>A (NM_001406785.1); c.2264-8G>A (NM_001406764.1, NM_001406762.1, NM_001406761.1); and 10 more.
Identifiers: ClinVar variation 413479 (VCV000413479.16), dbSNP rs376151644, ClinGen allele CA039018.

ClinVar aggregate classification (germline): Benign/Likely benign. Review status: criteria provided, multiple submitters, no conflicts (2 of 4 stars). 5 submissions from 5 submitters: Benign (1); Likely benign (4). Last evaluated 2026-02-03.

Conditions:
Multiple endocrine neoplasia, type 2 (MEN2). Identifiers: Orphanet 653, MedGen C4048306, MONDO:0019003. Disease mechanism: gain of function.
Multiple endocrine neoplasia type 2A. Also called: MULTIPLE ENDOCRINE NEOPLASIA, TYPE IIA; PTC SYNDROME; SIPPLE SYNDROME; MEN 2A; MEN-2A syndrome; Pheochromocytoma and amyloid producing medullary thyroid carcinoma. Identifiers: Orphanet 247698, Orphanet 653, MedGen C0025268, MeSH D018813, MONDO:0008234, OMIM 171400.

Allele frequency attached by ClinVar (database versions not stated): gnomAD exomes 0.00001; gnomAD 0.00005 and 0.00007; TOPMed 0.00006; ExAC 0.00008; ESP Exome Variant Server 0.00008.
gnomAD v4.1: 23 of 1,589,040 alleles (0.0014%); highest among the groups gnomAD compares: Middle Eastern, 0.022%; no homozygotes.

Submissions (5):

Labcorp Genetics (formerly Invitae), Labcorp
Classification: Likely benign for Multiple endocrine neoplasia, type 2. Last evaluated: 2026-02-03. Review status: criteria provided, single submitter. Criteria: Invitae Variant Classification Sherloc (09022015). Collection method: clinical testing. Allele origin: germline.

Myriad Genetics, Inc.
Classification: Benign for Multiple endocrine neoplasia type 2A. Last evaluated: 2024-09-05. Review status: criteria provided, single submitter. Criteria: Myriad Autosomal Dominant, Autosomal Recessive and X-Linked Classification Criteria (2023). Collection method: clinical testing. Allele origin: unknown.
Comment: This variant is considered benign. This variant is intronic and is not expected to impact mRNA splicing. This variant has been observed at a population frequency that is significantly greater than expected given the associated disease prevalence and penetrance.

All of Us Research Program, National Institutes of Health
Classification: Likely benign for Multiple endocrine neoplasia, type 2. Last evaluated: 2023-12-01. Review status: criteria provided, single submitter. Criteria: ACMG Guidelines, 2015. Collection method: clinical testing. Allele origin: germline. Inheritance: Autosomal dominant inheritance. Observed: 6 variant alleles, 6 heterozygotes.
Comment: This study involves interpretation of variants in research participants for the purpose of population health screening. Participant phenotype was not available at the time of variant classification. Additional details can be found in publication PMID: 35346344, PMCID: PMC8962531

Color Diagnostics, LLC DBA Color Health
Classification: Likely benign for Multiple endocrine neoplasia, type 2. Last evaluated: 2023-04-05. Review status: criteria provided, single submitter. Criteria: ACMG Guidelines, 2015. Collection method: clinical testing. Allele origin: germline.

Blueprint Genetics
Classification: Likely benign. Last evaluated: 2020-07-10. Review status: criteria provided, single submitter. Criteria: ACMG Guidelines, 2015. Collection method: clinical testing. Allele origin: germline.